The following is an entry in ClinVar:

NM_001039591.3(USP9X):c.5858A>G (p.Tyr1953Cys)

Gene: USP9X (ubiquitin specific peptidase 9 X-linked; plus strand). Cytogenetic location: Xp11.4.
Variant type: single nucleotide variant.
Coding change: c.5858A>G on transcript NM_001039591.3 (MANE Select); coding-DNA position 5858, A replaced by G.
Protein change: p.Tyr1953Cys; replaces tyrosine 1953 with cysteine.
Molecular consequence: missense variant.
Genome position (GRCh38, 1-based): chrX:41,216,425, A>G. VCF-style: chrX-41216425-A-G. GRCh37 (hg19) VCF-style: chrX-41075678-A-G.
Other names: c.5858A>G, p.Tyr1953Cys (NM_001039590.3); short protein forms Y1953C.
Identifiers: ClinVar variation 1675321 (VCV001675321.1), dbSNP rs2147246067, ClinGen allele CA412793984.

ClinVar aggregate classification (germline): Uncertain significance (1 of 4 stars; one submission).

Submission:

Institute of Human Genetics, Clinical Exome/Genome Diagnostics Group, University Hospital Bonn
Classification: Uncertain significance. Last evaluated: 2022-03-11. Review status: criteria provided, single submitter. Criteria: ACMG Guidelines, 2015. Collection method: clinical testing. Allele origin: germline. Affected: yes.
Comment: PM2, PP2, PP3